The following is an entry in ClinVar:

ClinVar aggregate classification (germline): Uncertain significance. Review status: criteria provided, multiple submitters, no conflicts (2 of 4 stars). 2 submissions from 2 submitters: Uncertain significance (2). Last evaluated 2024-03-20.

Conditions:
Inborn genetic diseases. Identifiers: MedGen C0950123, MeSH D030342.

Submissions (2):

Labcorp Genetics (formerly Invitae), Labcorp
Classification: Uncertain significance. Last evaluated: 2024-03-20. Review status: criteria provided, single submitter. Criteria: Invitae Variant Classification Sherloc (09022015). Collection method: clinical testing. Allele origin: germline.
Comment: This sequence change replaces leucine, which is neutral and non-polar, with valine, which is neutral and non-polar, at codon 103 of the GRIN2D protein (p.Leu103Val). This variant is not present in population databases (gnomAD no frequency). This variant has not been reported in the literature in individuals affected with GRIN2D-related conditions. ClinVar contains an entry for this variant (Variation ID: 2546551). Advanced modeling of protein sequence and biophysical properties (such as structural, functional, and spatial information, amino acid conservation, physicochemical variation, residue mobility, and thermodynamic stability) performed at Invitae indicates that this missense variant is not expected to disrupt GRIN2D protein function with a negative predictive value of 80%. In summary, the available evidence is currently insufficient to determine the role of this variant in disease. Therefore, it has been classified as a Variant of Uncertain Significance.

Ambry Genetics
Classification: Uncertain significance for Inborn genetic diseases. Last evaluated: 2023-05-16. Review status: criteria provided, single submitter. Criteria: Ambry Variant Classification Scheme 2023. Collection method: clinical testing. Allele origin: germline.

NM_000836.4(GRIN2D):c.307C>G (p.Leu103Val)

Gene: GRIN2D (glutamate ionotropic receptor NMDA type subunit 2D; plus strand). Cytogenetic location: 19q13.33.
Variant type: single nucleotide variant.
Coding change: c.307C>G on transcript NM_000836.4 (MANE Select); coding-DNA position 307, C replaced by G.
Protein change: p.Leu103Val; replaces leucine 103 with valine.
Molecular consequence: missense variant.
Genome position (GRCh38, 1-based): chr19:48,398,699, C>G. VCF-style: chr19-48398699-C-G. GRCh37 (hg19) VCF-style: chr19-48901956-C-G.
Other names: short protein forms L103V.
Identifiers: ClinVar variation 2546551 (VCV002546551.5), dbSNP rs1457751600, ClinGen allele CA406688910.